The following is an entry in ClinVar:

NM_000159.4(GCDH):c.532G>C (p.Gly178Arg)

Gene: GCDH (glutaryl-CoA dehydrogenase; plus strand). Cytogenetic location: 19p13.13.
Variant type: single nucleotide variant.
Coding change: c.532G>C on transcript NM_000159.4 (MANE Select); coding-DNA position 532, G replaced by C.
Protein change: p.Gly178Arg; replaces glycine 178 with arginine.
Molecular consequence: missense variant. On other transcripts: non-coding transcript variant (2).
Genome position (GRCh38, 1-based): chr19:12,896,018, G>C. VCF-style: chr19-12896018-G-C. GRCh37 (hg19) VCF-style: chr19-13006832-G-C.
Other names: c.532G>C, p.Gly178Arg (NM_013976.5); short protein forms G178R.
Identifiers: ClinVar variation 4739577 (VCV004739577.1).

ClinVar aggregate classification (germline): Pathogenic (1 of 4 stars; one submission).

Conditions:
Glutaric aciduria, type 1. Also called: Glutaryl-CoA dehydrogenase deficiency; Glutaric acidemia type I; Glutaric Acidemia Type 1; Glutaricacidemia Type 1; GA I; Glutaricaciduria, type I. Identifiers: Orphanet 25, MedGen C0268595, MONDO:0009281, OMIM 231670.

Submission:

Labcorp Genetics (formerly Invitae), Labcorp
Classification: Pathogenic for Glutaric aciduria, type 1. Last evaluated: 2025-06-09. Review status: criteria provided, single submitter. Criteria: Invitae Variant Classification Sherloc (09022015). Collection method: clinical testing. Allele origin: germline.
Comment: This sequence change replaces glycine, which is neutral and non-polar, with arginine, which is basic and polar, at codon 178 of the GCDH protein (p.Gly178Arg). This variant is not present in population databases (gnomAD no frequency). This missense change has been observed in individual(s) with glutaric aciduria type I (PMID: 11073722, 21176883). Invitae Evidence Modeling of protein sequence and biophysical properties (such as structural, functional, and spatial information, amino acid conservation, physicochemical variation, residue mobility, and thermodynamic stability) indicates that this missense variant is expected to disrupt GCDH protein function with a positive predictive value of 80%. This variant disrupts the p.Gly178 amino acid residue in GCDH. Other variant(s) that disrupt this residue have been determined to be pathogenic (PMID: 23104440, 24332224, 26656312, 29419857). This suggests that this residue is clinically significant, and that variants that disrupt this residue are likely to be disease-causing. For these reasons, this variant has been classified as Pathogenic.

Literature cited by the submitters: PubMed 11073722; PubMed 21176883; PubMed 23104440; PubMed 24332224; PubMed 26656312; PubMed 29419857.